The following is an entry in ClinVar:

ClinVar aggregate classification (germline): Uncertain significance (1 of 4 stars; one submission).

Conditions:
Congenital sideroblastic anemia-B-cell immunodeficiency-periodic fever-developmental delay syndrome. Also called: Sideroblastic anemia with B-cell immunodeficiency, periodic fevers, and developmental delay. Identifiers: Orphanet 369861, MedGen C4015172, MONDO:0014487, OMIM 616084.

Allele frequency attached by ClinVar (database versions not stated): gnomAD exomes below 0.00001.
gnomAD v4.1: 4 of 1,614,018 alleles (0.00025%); highest among the groups gnomAD compares: Non-Finnish European, 0.00034%; no homozygotes.

Submission:

Labcorp Genetics (formerly Invitae), Labcorp
Classification: Uncertain significance for Congenital sideroblastic anemia-B-cell immunodeficiency-periodic fever-developmental delay syndrome. Last evaluated: 2022-03-07. Review status: criteria provided, single submitter. Criteria: Invitae Variant Classification Sherloc (09022015). Collection method: clinical testing. Allele origin: germline.
Comment: This variant has not been reported in the literature in individuals affected with TRNT1-related conditions. This variant is not present in population databases (gnomAD no frequency). This sequence change replaces glutamine, which is neutral and polar, with histidine, which is basic and polar, at codon 303 of the TRNT1 protein (p.Gln303His). Algorithms developed to predict the effect of missense changes on protein structure and function (SIFT, PolyPhen-2, Align-GVGD) all suggest that this variant is likely to be tolerated. In summary, the available evidence is currently insufficient to determine the role of this variant in disease. Therefore, it has been classified as a Variant of Uncertain Significance.

NM_182916.3(TRNT1):c.909A>C (p.Gln303His)

Gene: TRNT1 (tRNA nucleotidyl transferase 1; plus strand). Cytogenetic location: 3p26.2.
Variant type: single nucleotide variant.
Coding change: c.909A>C on transcript NM_182916.3 (MANE Select); coding-DNA position 909, A replaced by C.
Protein change: p.Gln303His; replaces glutamine 303 with histidine.
Molecular consequence: missense variant. On other transcripts: non-coding transcript variant (8).
Genome position (GRCh38, 1-based): chr3:3,147,556, A>C. VCF-style: chr3-3147556-A-C. GRCh37 (hg19) VCF-style: chr3-3189240-A-C.
Other names: c.849A>C, p.Gln283His (NM_001302946.2); c.909A>C, p.Gln303His (NM_001367321.1, NM_001367322.1, NM_001367323.1); short protein forms Q283H, Q303H.
Identifiers: ClinVar variation 2107506 (VCV002107506.4), dbSNP rs2471350701, ClinGen allele CA351447641.